The following is an entry in ClinVar:

ClinVar aggregate classification (germline): Pathogenic/Likely pathogenic. Review status: criteria provided, multiple submitters, no conflicts (2 of 4 stars). 2 submissions from 2 submitters: Pathogenic (1); Likely pathogenic (1). Last evaluated 2025-10-30.

Submissions (2):

GeneDx
Classification: Likely pathogenic. Last evaluated: 2025-10-30. Review status: criteria provided, single submitter. Criteria: GeneDx Variant Classification Process June 2021. Collection method: clinical testing. Allele origin: germline.
Comment: Frameshift variant predicted to result in abnormal protein length as the last 44 amino acid(s) are replaced with 103 different amino acid(s), and other similar variants have been reported in HGMD; Not observed at significant frequency in large population cohorts (gnomAD); Has not been previously published as pathogenic or benign to our knowledge

Labcorp Genetics (formerly Invitae), Labcorp
Classification: Pathogenic. Last evaluated: 2024-01-19. Review status: criteria provided, single submitter. Criteria: Invitae Variant Classification Sherloc (09022015). Collection method: clinical testing. Allele origin: germline.
Comment: This sequence change results in a frameshift in the AVPR2 gene (p.Phe328Cysfs*104). While this is not anticipated to result in nonsense mediated decay, it is expected to disrupt the last 44 amino acid(s) of the AVPR2 protein and extend the protein by 59 additional amino acid residues. This variant is not present in population databases (gnomAD no frequency). This variant has not been reported in the literature in individuals affected with AVPR2-related conditions. This variant disrupts a region of the AVPR2 protein in which other variant(s) (p.Arg337*) have been determined to be pathogenic (PMID: 8037205, 9027323, 29594432, 34101133). This suggests that this is a clinically significant region of the protein, and that variants that disrupt it are likely to be disease-causing. For these reasons, this variant has been classified as Pathogenic.

Literature cited by the submitters: PubMed 8037205 (cited by Labcorp Genetics (formerly Invitae), Labcorp); PubMed 9027323 (cited by Labcorp Genetics (formerly Invitae), Labcorp); PubMed 29594432 (cited by Labcorp Genetics (formerly Invitae), Labcorp); PubMed 34101133 (cited by Labcorp Genetics (formerly Invitae), Labcorp).

NM_000054.7(AVPR2):c.981_993del (p.Phe328fs)

Gene: AVPR2 (arginine vasopressin receptor 2; plus strand). Cytogenetic location: Xq28.
Variant type: Deletion.
Coding change: c.981_993del on transcript NM_000054.7 (MANE Select); coding-DNA positions 981 to 993, 13 bases deleted (TTTCAGCAGCAGC).
Protein change: p.Phe328fs; shifts the reading frame from phenylalanine 328.
Molecular consequence: frameshift variant. On other transcripts: 3 prime UTR variant (1), non-coding transcript variant (1).
Genome position (GRCh38, 1-based): chrX:153,906,593-153,906,605, TTTCAGCAGCAGC deleted; deleting any 13 consecutive bases within chrX:153,906,592-153,906,605 gives the same sequence; the c. name uses the placement nearest the transcript's 3' end. VCF-style (leftmost placement, unchanged base first): chrX-153906591-TCTTTCAGCAGCAG-T. GRCh37 (hg19) VCF-style: chrX-153172045-TCTTTCAGCAGCAG-T.
Other names: c.*157_*169del (NM_001146151.3); c.981_993del (NM_000054.4); short protein forms F328fs.
Identifiers: ClinVar variation 2827198 (VCV002827198.5), dbSNP rs2521161921, ClinGen allele CA2739273867.
Genomic context (GRCh38, chrX:153,906,591, plus strand): 5'-TTTGTGCTACTCATGTTGCTGGCCAGCCTCAACAGCTGCACCAACCCCTGGATCTATGCA[TCTTTCAGCAGCAG>T]CGTGTCCTCAGAGCTGCGAAGCTTGCTCTGCTGTGCCCGGGGACGCACCCCACCCAGCCT-3'